The following is an entry in ClinVar:

NM_016599.5(MYOZ2):c.190A>C (p.Arg64=)

Gene: MYOZ2 (myozenin 2; plus strand). Cytogenetic location: 4q26.
Variant type: single nucleotide variant.
Coding change: c.190A>C on transcript NM_016599.5 (MANE Select); coding-DNA position 190, A replaced by C.
Protein change: p.Arg64=; no amino-acid change (arginine 64 retained).
Molecular consequence: synonymous variant.
Genome position (GRCh38, 1-based): chr4:119,150,985, A>C. VCF-style: chr4-119150985-A-C. GRCh37 (hg19) VCF-style: chr4-120072140-A-C.
Identifiers: ClinVar variation 180066 (VCV000180066.5), dbSNP rs727505324, ClinGen allele CA185738.

ClinVar aggregate classification (germline): Likely benign (1 of 4 stars; one submission).

Allele frequency attached by ClinVar (database versions not stated): gnomAD exomes below 0.00001; TOPMed 0.00002 and below 0.00001; ExAC 0.00001; gnomAD 0.00001.
gnomAD v4.1: 2 of 1,613,494 alleles (0.00012%); highest among the groups gnomAD compares: East Asian, 0.0045%; no homozygotes.

Submission:

Laboratory for Molecular Medicine, Mass General Brigham Personalized Medicine
Classification: Likely benign. Last evaluated: 2014-10-22. Review status: criteria provided, single submitter. Criteria: LMM Criteria. Collection method: clinical testing. Allele origin: germline. Observed: 1 variant allele.
Comment: p.Arg64Arg in exon 3 of MYOZ2: This variant is not expected to have clinical sig nificance because it does not alter an amino acid residue and is not located wit hin the splice consensus sequence.